The following is an entry in ClinVar:

NM_178822.5(IGSF10):c.4636C>T (p.Leu1546=)

Gene: IGSF10 (immunoglobulin superfamily member 10; minus strand). Cytogenetic location: 3q25.1.
Variant type: single nucleotide variant.
Coding change: c.4636C>T on transcript NM_178822.5 (MANE Select); coding-DNA position 4636, C replaced by T.
Protein change: p.Leu1546=; no amino-acid change (leucine 1546 retained).
Molecular consequence: synonymous variant.
Genome position (GRCh38, 1-based): chr3:151,445,345, G>A on the plus strand (C>T on the coding strand, the complement: IGSF10 is on the minus strand). VCF-style: chr3-151445345-G-A. GRCh37 (hg19) VCF-style: chr3-151163133-G-A.
Other names: c.4636C>T, p.Leu1546= (NM_001385060.1, NM_001385061.1, NM_001385062.1 and 1 more transcripts).
Identifiers: ClinVar variation 710624 (VCV000710624.34), dbSNP rs111999205, ClinGen allele CA2669928.

ClinVar aggregate classification (germline): Benign/Likely benign. Review status: criteria provided, multiple submitters, no conflicts (2 of 4 stars). 4 submissions from 4 submitters: Benign (2); Likely benign (1). 1 of the submissions does not count toward it. Last evaluated 2026-02-04.

Conditions:
IGSF10-related disorder. Also called: IGSF10-related condition.

Allele frequency attached by ClinVar (database versions not stated): TOPMed 0.00187; 1000 Genomes Project 0.00200; gnomAD 0.00220; 1000 Genomes Project 30x 0.00234; gnomAD exomes 0.00311; ESP Exome Variant Server 0.00338; ExAC 0.00360.

Submissions (4):

Labcorp Genetics (formerly Invitae), Labcorp
Classification: Benign. Last evaluated: 2026-02-04. Review status: criteria provided, single submitter. Criteria: Invitae Variant Classification Sherloc (09022015). Collection method: clinical testing. Allele origin: germline.

CeGaT Center for Human Genetics Tuebingen
Classification: Likely benign. Last evaluated: 2022-03-01. Review status: criteria provided, single submitter. Criteria: CeGaT Center For Human Genetics Tuebingen Variant Classification Criteria Version 2. Collection method: clinical testing. Allele origin: germline. Affected: yes. Observed: 1 variant allele.
Comment: IGSF10: BP4, BP7

Breakthrough Genomics
Classification: Benign. Review status: criteria provided, single submitter. Criteria: ACMG Guidelines, 2015. Collection method: not provided. Allele origin: germline. Inheritance: Unknown mechanism. Affected: yes.

PreventionGenetics, part of Exact Sciences
Classification: Likely benign for IGSF10-related condition. Last evaluated: 2019-08-28. Review status: no assertion criteria provided. Collection method: clinical testing. Allele origin: germline. Not counted in ClinVar's aggregate classification.
Comment: This variant is classified as likely benign based on ACMG/AMP sequence variant interpretation guidelines (Richards et al. 2015 PMID: 25741868, with internal and published modifications).